The following is an entry in ClinVar:

NM_052872.4(IL17F):c.402C>G (p.His134Gln)

Gene: IL17F (interleukin 17F; minus strand). Cytogenetic location: 6p12.2.
Variant type: single nucleotide variant.
Coding change: c.402C>G on transcript NM_052872.4 (MANE Select); coding-DNA position 402, C replaced by G.
Protein change: p.His134Gln; replaces histidine 134 with glutamine.
Molecular consequence: missense variant.
Genome position (GRCh38, 1-based): chr6:52,237,021, G>C on the plus strand (C>G on the coding strand, the complement: IL17F is on the minus strand). VCF-style: chr6-52237021-G-C. GRCh37 (hg19) VCF-style: chr6-52101819-G-C.
Other names: short protein forms H134Q.
Identifiers: ClinVar variation 2827771 (VCV002827771.3), dbSNP rs2532687056, ClinGen allele CA364444431.

ClinVar aggregate classification (germline): Uncertain significance (1 of 4 stars; one submission).

Conditions:
Candidiasis, familial, 6 (CANDF6). Also called: Candidiasis, familial, 6, autosomal dominant. Identifiers: Orphanet 1334, MedGen C3151405, MONDO:0013503, OMIM 613956.

Submission:

Labcorp Genetics (formerly Invitae), Labcorp
Classification: Uncertain significance for Candidiasis, familial, 6. Last evaluated: 2023-01-11. Review status: criteria provided, single submitter. Criteria: Invitae Variant Classification Sherloc (09022015). Collection method: clinical testing. Allele origin: germline.
Comment: In summary, the available evidence is currently insufficient to determine the role of this variant in disease. Therefore, it has been classified as a Variant of Uncertain Significance. Algorithms developed to predict the effect of missense changes on protein structure and function (SIFT, PolyPhen-2, Align-GVGD) all suggest that this variant is likely to be tolerated. This variant has not been reported in the literature in individuals affected with IL17F-related conditions. This variant is not present in population databases (gnomAD no frequency). This sequence change replaces histidine, which is basic and polar, with glutamine, which is neutral and polar, at codon 134 of the IL17F protein (p.His134Gln).